The following is an entry in ClinVar:

ClinVar aggregate classification (germline): Conflicting classifications of pathogenicity. Review status: criteria provided, conflicting classifications (1 of 4 stars). 6 submissions from 6 submitters: Uncertain significance (4); Likely benign (1). 1 of the submissions does not count toward it. Last evaluated 2025-11-03.

Conditions:
Ataxia-telangiectasia syndrome (AT). Also called: Cerebello-oculocutaneous telangiectasia; Immunodeficiency with ataxia telangiectasia; Ataxia-telangiectasia, complementation group E; Ataxia-telangiectasia, complementation group D; AT, COMPLEMENTATION GROUP C; ATAXIA-TELANGIECTASIA, COMPLEMENTATION GROUP A. Identifiers: Orphanet 100, MedGen C0004135, MONDO:0008840, OMIM 208900.
Familial cancer of breast. Also called: Hereditary breast cancer; hereditary breast carcinoma; BREAST CANCER, FAMILIAL. Identifiers: Orphanet 227535, MedGen C0346153, MONDO:0016419, OMIM 114480. Disease mechanism: loss of function.
Hereditary cancer-predisposing syndrome. Also called: Hereditary Cancer Syndrome; Neoplastic Syndromes, Hereditary; Hereditary neoplastic syndrome; Tumor predisposition. Identifiers: Orphanet 140162, MedGen C0027672, MeSH D009386, MONDO:0015356.

gnomAD v4.1: 3 of 1,614,102 alleles (0.00019%); highest among the groups gnomAD compares: South Asian, 0.0011%; no homozygotes.

Submissions (6):

Labcorp Genetics (formerly Invitae), Labcorp
Classification: Uncertain significance for Ataxia-telangiectasia syndrome. Last evaluated: 2025-11-03. Review status: criteria provided, single submitter. Criteria: Invitae Variant Classification Sherloc (09022015). Collection method: clinical testing. Allele origin: germline.
Comment: This sequence change replaces valine, which is neutral and non-polar, with leucine, which is neutral and non-polar, at codon 849 of the ATM protein (p.Val849Leu). This variant is not present in population databases (gnomAD no frequency). This variant has not been reported in the literature in individuals affected with ATM-related conditions. ClinVar contains an entry for this variant (Variation ID: 821467). Invitae Evidence Modeling of protein sequence and biophysical properties (such as structural, functional, and spatial information, amino acid conservation, physicochemical variation, residue mobility, and thermodynamic stability) indicates that this missense variant is not expected to disrupt ATM protein function with a negative predictive value of 95%. In summary, the available evidence is currently insufficient to determine the role of this variant in disease. Therefore, it has been classified as a Variant of Uncertain Significance.

Color Diagnostics, LLC DBA Color Health
Classification: Likely benign for Hereditary cancer-predisposing syndrome. Last evaluated: 2024-09-30. Review status: criteria provided, single submitter. Criteria: ACMG Guidelines, 2015. Collection method: clinical testing. Allele origin: germline.

Ambry Genetics
Classification: Uncertain significance for Hereditary cancer-predisposing syndrome. Last evaluated: 2023-11-06. Review status: criteria provided, single submitter. Criteria: Ambry Variant Classification Scheme 2023. Collection method: clinical testing. Allele origin: germline.
Comment: The p.V849L variant (also known as c.2545G>T), located in coding exon 16 of the ATM gene, results from a G to T substitution at nucleotide position 2545. The valine at codon 849 is replaced by leucine, an amino acid with highly similar properties. This amino acid position is poorly conserved in available vertebrate species. In addition, this alteration is predicted to be tolerated by in silico analysis. Since supporting evidence is limited at this time, the clinical significance of this alteration remains unclear.

GeneDx
Classification: Uncertain significance. Last evaluated: 2023-08-10. Review status: criteria provided, single submitter. Criteria: GeneDx Variant Classification Process June 2021. Collection method: clinical testing. Allele origin: germline. Affected: yes.
Comment: Not observed at significant frequency in large population cohorts (gnomAD); In silico analysis supports that this missense variant does not alter protein structure/function; Has not been previously published as pathogenic or benign to our knowledge

Baylor Genetics
Classification: Uncertain significance for Familial cancer of breast. Last evaluated: 2023-07-21. Review status: criteria provided, single submitter. Criteria: ACMG Guidelines, 2015. Collection method: clinical testing. Allele origin: unknown.

Natera, Inc.
Classification: Uncertain significance for Ataxia-telangiectasia. Last evaluated: 2021-01-13. Review status: no assertion criteria provided. Collection method: clinical testing. Allele origin: germline. Not counted in ClinVar's aggregate classification.

NM_000051.4(ATM):c.2545G>T (p.Val849Leu)

Gene: ATM (ATM serine/threonine kinase; plus strand). Cytogenetic location: 11q22.3.
Variant type: single nucleotide variant.
Coding change: c.2545G>T on transcript NM_000051.4 (MANE Select); coding-DNA position 2545, G replaced by T.
Protein change: p.Val849Leu; replaces valine 849 with leucine.
Molecular consequence: missense variant.
Genome position (GRCh38, 1-based): chr11:108,267,249, G>T. VCF-style: chr11-108267249-G-T. GRCh37 (hg19) VCF-style: chr11-108137976-G-T.
Other names: c.2545G>T, p.Val849Leu (NM_001351834.2); short protein forms V849L.
Identifiers: ClinVar variation 821467 (VCV000821467.19), dbSNP rs1591587875, ClinGen allele CA382543676.